The following is an entry in ClinVar:

ClinVar aggregate classification (germline): Uncertain significance. Review status: criteria provided, multiple submitters, no conflicts (2 of 4 stars). 2 submissions from 2 submitters: Uncertain significance (2). Last evaluated 2023-12-18.

Conditions:
PCGF2-related disorder. Also called: PCGF2-related condition.

Allele frequency attached by ClinVar (database versions not stated): TOPMed 0.00001.

Submissions (2):

Labcorp Genetics (formerly Invitae), Labcorp
Classification: Uncertain significance. Last evaluated: 2023-12-18. Review status: criteria provided, single submitter. Criteria: Invitae Variant Classification Sherloc (09022015). Collection method: clinical testing. Allele origin: germline.
Comment: This sequence change replaces glutamic acid, which is acidic and polar, with lysine, which is basic and polar, at codon 246 of the PCGF2 protein (p.Glu246Lys). This variant is not present in population databases (gnomAD no frequency). This variant has not been reported in the literature in individuals affected with PCGF2-related conditions. ClinVar contains an entry for this variant (Variation ID: 2628436). Advanced modeling of protein sequence and biophysical properties (such as structural, functional, and spatial information, amino acid conservation, physicochemical variation, residue mobility, and thermodynamic stability) performed at Invitae indicates that this missense variant is not expected to disrupt PCGF2 protein function with a negative predictive value of 80%. In summary, the available evidence is currently insufficient to determine the role of this variant in disease. Therefore, it has been classified as a Variant of Uncertain Significance.

PreventionGenetics, part of Exact Sciences
Classification: Uncertain significance for PCGF2-related condition. Last evaluated: 2023-08-01. Review status: criteria provided, single submitter. Criteria: ACMG Guidelines, 2015. Collection method: clinical testing. Allele origin: germline.
Comment: The PCGF2 c.736G>A variant is predicted to result in the amino acid substitution p.Glu246Lys. To our knowledge, this variant has not been reported in the literature or in a large population database, indicating this variant is rare. At this time, the clinical significance of this variant is uncertain due to the absence of conclusive functional and genetic evidence.

NM_007144.3(PCGF2):c.736G>A (p.Glu246Lys)

Genes: CISD3 (CDGSH iron sulfur domain 3; plus strand), PCGF2 (polycomb group ring finger 2; minus strand). Cytogenetic location: 17q12.
Variant type: single nucleotide variant.
Coding change: c.736G>A on transcript NM_007144.3 (MANE Select); coding-DNA position 736, G replaced by A.
Protein change: p.Glu246Lys; replaces glutamic acid 246 with lysine.
Molecular consequence: missense variant. On other transcripts: 3 prime UTR variant (1).
Genome position (GRCh38, 1-based): chr17:38,735,522, C>T on the plus strand (G>A on the coding strand, the complement: PCGF2 is on the minus strand). VCF-style: chr17-38735522-C-T. GRCh37 (hg19) VCF-style: chr17-36891775-C-T.
Other names: c.*2067C>T (NM_001136498.2); c.736G>A, p.Glu246Lys (NM_001369614.1, NM_001369615.1); short protein forms E246K.
Identifiers: ClinVar variation 2628436 (VCV002628436.4), dbSNP rs991646402, ClinGen allele CA398820092.